The following is an entry in ClinVar:

ClinVar aggregate classification (germline): Pathogenic (1 of 4 stars; one submission).

Conditions:
Fabry disease. Also called: ALPHA-GALACTOSIDASE A DEFICIENCY; ANDERSON-FABRY DISEASE; CERAMIDE TRIHEXOSIDASE DEFICIENCY; GLA DEFICIENCY; HEREDITARY DYSTOPIC LIPIDOSIS; Angiokeratoma corporis diffusum. Identifiers: Orphanet 324, MedGen C0002986, MONDO:0010526, OMIM 301500, HP:0001071. Disease mechanism: Fabry disease is due to inactivating mutations in the X-linked GLA gene resulting in deficiency of the enzyme Alpha Galactosidase-A., loss of function.

Submission:

Genomenon, Inc
Classification: Pathogenic for Fabry disease. Last evaluated: 2026-09-08. Review status: criteria provided, single submitter. Criteria: Genomenon Sequence Variant Interpretation Standards - Updated. Collection method: curation. Allele origin: germline. Affected: yes.
Comment: GLA p.Ile253MetfsTer16 (c.759del) is a frameshift variant that is predicted to introduce a premature termination codon and result in a truncated or absent protein product. This variant has been observed in at least one proband with clinical features consistent with Fabry disease (PMID:18555667). Functional or patient cell studies have been reported (PMID:18555667). It is absent or not present at a significant frequency in gnomAD. In conclusion, we classify GLA p.Ile253MetfsTer16 (c.759del) as a pathogenic variant.

Literature cited by the submitters: PubMed 18555667.

NM_000169.3(GLA):c.759del (p.Ile253fs)

Genes: GLA (galactosidase alpha; minus strand), RPL36A-HNRNPH2 (RPL36A-HNRNPH2 readthrough; plus strand). Cytogenetic location: Xq22.1.
Variant type: Deletion.
Coding change: c.759del on transcript NM_000169.3 (MANE Select); coding-DNA position 759, one base deleted (T; older notation c.759delT).
Protein change: p.Ile253fs; shifts the reading frame from isoleucine 253.
Molecular consequence: frameshift variant. On other transcripts: non-coding transcript variant (3), intron variant (2).
Genome position (GRCh38, 1-based): chrX:101,398,827, A deleted on the plus strand (T on the coding strand, the reverse complement: GLA is on the minus strand); the first of 2 consecutive A bases (chrX:101,398,827-101,398,828); deleting either gives the same sequence. VCF-style (leftmost placement, unchanged base first): chrX-101398826-CA-C. GRCh37 (hg19) VCF-style: chrX-100653814-CA-C.
Other names: c.882del, p.Ile294fs (NM_001406747.1); c.759del, p.Ile253fs (NM_001406748.1); c.300+3371del (NM_001199973.2); c.177+7006del (NM_001199974.2); short protein forms I253fs, I294fs.
Identifiers: ClinVar variation 4087002 (VCV004087002.2).